The following is an entry in ClinVar:

ClinVar aggregate classification (germline): Uncertain significance. Review status: criteria provided, single submitter (1 of 4 stars). 2 submissions from 2 submitters: Uncertain significance (1). 1 of the submissions does not count toward it. Last evaluated 2026-02-01.

Allele frequency attached by ClinVar (database versions not stated): gnomAD exomes 0.00001; TOPMed 0.00002.
gnomAD v4.1: 17 of 1,601,164 alleles (0.0011%); highest among the groups gnomAD compares: Non-Finnish European, 0.0014%; no homozygotes.

Submissions (2):

Labcorp Genetics (formerly Invitae), Labcorp
Classification: Uncertain significance. Last evaluated: 2026-02-01. Review status: criteria provided, single submitter. Criteria: Invitae Variant Classification Sherloc (09022015). Collection method: clinical testing. Allele origin: germline.
Comment: This sequence change replaces isoleucine, which is neutral and non-polar, with phenylalanine, which is neutral and non-polar, at codon 2614 of the PIEZO2 protein (p.Ile2614Phe). This variant is not present in population databases (gnomAD no frequency). This variant has not been reported in the literature in individuals affected with PIEZO2-related conditions. ClinVar contains an entry for this variant (Variation ID: 1050238). Invitae Evidence Modeling of protein sequence and biophysical properties (such as structural, functional, and spatial information, amino acid conservation, physicochemical variation, residue mobility, and thermodynamic stability) indicates that this missense variant is not expected to disrupt PIEZO2 protein function with a negative predictive value of 80%. In summary, the available evidence is currently insufficient to determine the role of this variant in disease. Therefore, it has been classified as a Variant of Uncertain Significance.

Department of Pathology and Laboratory Medicine, Sinai Health System
Classification: Uncertain significance. Review status: no assertion criteria provided. Collection method: clinical testing. Allele origin: unknown. Affected: yes. Study: The Canadian Open Genetics Repository (COGR). Not counted in ClinVar's aggregate classification.
Comment: The PIEZO2 p.Ile2614Phe variant was not identified in the literature nor was it identified in ClinVar, Cosmic, LOVD 3.0 or in the following control databases: the 1000 Genomes Project, the NHLBI GO Exome Sequencing Project, the Exome Aggregation Consortium (August 8th 2016), or the Genome Aggregation Database (Feb 27, 2017). The variant was identified in dbSNP (ID: rs952699419). The variant occurs outside of the splicing consensus sequence and in silico or computational prediction software programs (SpliceSiteFinder, MaxEntScan, NNSPLICE, GeneSplicer) do not predict a difference in splicing. The p.Ile2614 residue is conserved in mammals and computational analyses (PolyPhen-2, SIFT, AlignGVGD, BLOSUM, MutationTaster) provide inconsistent predictions regarding the impact to the protein; this information is not very predictive of pathogenicity. In summary, based on the above information the clinical significance of this variant cannot be determined with certainty at this time. This variant is classified as a variant of uncertain significance.

NM_001378183.1(PIEZO2):c.8179A>T (p.Ile2727Phe)

Gene: PIEZO2 (piezo type mechanosensitive ion channel component 2; minus strand). Cytogenetic location: 18p11.22.
Variant type: single nucleotide variant.
Coding change: c.8179A>T on transcript NM_001378183.1 (MANE Select); coding-DNA position 8179, A replaced by T.
Protein change: p.Ile2727Phe; replaces isoleucine 2727 with phenylalanine.
Molecular consequence: missense variant.
Genome position (GRCh38, 1-based): chr18:10,672,856, T>A on the plus strand (A>T on the coding strand, the complement: PIEZO2 is on the minus strand). VCF-style: chr18-10672856-T-A. GRCh37 (hg19) VCF-style: chr18-10672853-T-A.
Other names: c.7840A>T, p.Ile2614Phe (NM_022068.4); short protein forms I2614F, I2727F.
Identifiers: ClinVar variation 1050238 (VCV001050238.2), dbSNP rs952699419, ClinGen allele CA295979053.